The following is an entry in ClinVar:

NM_007153.3(ZNF208):c.3555A>T (p.Ala1185=)

Gene: ZNF208 (zinc finger protein 208; minus strand). Cytogenetic location: 19p12.
Variant type: single nucleotide variant.
Coding change: c.3555A>T on transcript NM_007153.3 (MANE Select); coding-DNA position 3555, A replaced by T.
Protein change: p.Ala1185=; no amino-acid change (alanine 1185 retained).
Molecular consequence: synonymous variant. On other transcripts: intron variant (4).
Genome position (GRCh38, 1-based): chr19:21,971,479, T>A on the plus strand (A>T on the coding strand, the complement: ZNF208 is on the minus strand). VCF-style: chr19-21971479-T-A. GRCh37 (hg19) VCF-style: chr19-22154281-T-A.
Other names: c.226+15737A>T (NM_001329974.2); c.305+3250A>T (NM_001329971.2, NM_001329973.1); c.227-10695A>T (NM_001329972.1).
Identifiers: ClinVar variation 2649635 (VCV002649635.24), dbSNP rs116542070, ClinGen allele CA306560436.
Genomic context (GRCh38, chr19:21,971,479, plus strand): 5'-GGCTTTGCCACATTCTTCACATTTGTAGAGTTTCTCTCCAGTATGAATTACCTTATGTTT[T>A]GCAAGGATTGAGAACATAACAAAGCCTTTGCCACATTCTTCACATTTGTAGGGTTTCTCT-3'
Protein context (NP_009084.2, residues 1175-1195): GKGFVMFSIL[Ala1185=]KHKVIHTGEK

ClinVar aggregate classification (germline): Likely benign (1 of 4 stars; one submission).

Submission:

CeGaT Center for Human Genetics Tuebingen
Classification: Likely benign. Last evaluated: 2024-08-01. Review status: criteria provided, single submitter. Criteria: CeGaT Center For Human Genetics Tuebingen Variant Classification Criteria Version 2. Collection method: clinical testing. Allele origin: germline. Affected: yes. Observed: 3 variant alleles.
Comment: ZNF208: PM2:Supporting, BP4, BP7